The following is an entry in ClinVar:

NM_004100.5(EYA4):c.277+3A>G

Gene: EYA4 (EYA transcriptional coactivator and phosphatase 4; plus strand). Cytogenetic location: 6q23.2.
Variant type: single nucleotide variant.
Coding change: c.277+3A>G on transcript NM_004100.5 (MANE Select); 3 bases into the intron after coding-DNA position 277, A replaced by G.
Molecular consequence: intron variant.
Genome position (GRCh38, 1-based): chr6:133,448,182, A>G. VCF-style: chr6-133448182-A-G. GRCh37 (hg19) VCF-style: chr6-133769320-A-G.
Other names: c.277+3A>G (NM_001301013.2, NM_172105.4); c.208+1428A>G (NM_001370458.1, NM_172103.4, NM_001370459.1 and 1 more transcripts).
Identifiers: ClinVar variation 664387 (VCV000664387.6), dbSNP rs1583306088, ClinGen allele CA915944377.
Genomic context (GRCh38, chr6:133,448,182, plus strand): 5'-ACTGTTTTAAACACAGCAGACTGGTTGCTGAGTTGCAACACCCCCTCTTCTGCAACAAGT[A>G]TGAGAGATGCTGGTACACTGCATGTGTTTGGGTGTGTGGATTTGCCCCTCTGGATTGCTG-3'

ClinVar aggregate classification (germline): Uncertain significance (1 of 4 stars; one submission).

Conditions:
Dilated cardiomyopathy 1J (CMD1J). Also called: CARDIOMYOPATHY, DILATED, WITH SENSORINEURAL HEARING LOSS, AUTOSOMAL DOMINANT. Identifiers: Orphanet 217622, MedGen C1854368, MONDO:0011541, OMIM 605362.

Allele frequency attached by ClinVar (database versions not stated): gnomAD exomes below 0.00001.
gnomAD v4.1: 3 of 1,609,106 alleles (0.00019%); highest among the groups gnomAD compares: Middle Eastern, 0.017%; no homozygotes.

Submission:

Labcorp Genetics (formerly Invitae), Labcorp
Classification: Uncertain significance for Dilated cardiomyopathy 1J. Last evaluated: 2024-01-29. Review status: criteria provided, single submitter. Criteria: Invitae Variant Classification Sherloc (09022015). Collection method: clinical testing. Allele origin: germline.
Comment: This sequence change falls in intron 5 of the EYA4 gene. It does not directly change the encoded amino acid sequence of the EYA4 protein. It affects a nucleotide within the consensus splice site. This variant is not present in population databases (gnomAD no frequency). This variant has not been reported in the literature in individuals affected with EYA4-related conditions. ClinVar contains an entry for this variant (Variation ID: 664387). Variants that disrupt the consensus splice site are a relatively common cause of aberrant splicing (PMID: 17576681, 9536098). Algorithms developed to predict the effect of sequence changes on RNA splicing suggest that this variant is not likely to affect RNA splicing. In summary, the available evidence is currently insufficient to determine the role of this variant in disease. Therefore, it has been classified as a Variant of Uncertain Significance.

Literature cited by the submitters: PubMed 17576681; PubMed 9536098.